The following is an entry in ClinVar:

NM_001271.4(CHD2):c.3100G>T (p.Glu1034Ter)

Gene: CHD2 (chromodomain helicase DNA binding protein 2; plus strand). Cytogenetic location: 15q26.1.
Variant type: single nucleotide variant.
Coding change: c.3100G>T on transcript NM_001271.4 (MANE Select); coding-DNA position 3100, G replaced by T.
Protein change: p.Glu1034Ter; replaces glutamic acid 1034 with a stop codon.
Molecular consequence: nonsense.
Genome position (GRCh38, 1-based): chr15:92,984,363, G>T. VCF-style: chr15-92984363-G-T. GRCh37 (hg19) VCF-style: chr15-93527593-G-T.
Other names: c.3100G>T (NM_001271.3); short protein forms E1034*.
Identifiers: ClinVar variation 1351835 (VCV001351835.8), dbSNP rs2141850583, ClinGen allele CA393895134.

ClinVar aggregate classification (germline): Pathogenic. Review status: criteria provided, multiple submitters, no conflicts (2 of 4 stars). 2 submissions from 2 submitters: Pathogenic (2). Last evaluated 2025-10-06.

Conditions:
Developmental and epileptic encephalopathy 94 (DEE94). Also called: Epileptic encephalopathy, childhood-onset; CHD2-Related Neurodevelopmental Disorders. Identifiers: Orphanet 1942, Orphanet 2382, MedGen C3809278, MONDO:0014150, OMIM 615369.

Submissions (2):

GeneDx
Classification: Pathogenic. Last evaluated: 2025-10-06. Review status: criteria provided, single submitter. Criteria: GeneDx Variant Classification Process June 2021. Collection method: clinical testing. Allele origin: germline.
Comment: Nonsense variant predicted to result in protein truncation or nonsense mediated decay in a gene for which loss of function is a known mechanism of disease; Not observed at significant frequency in large population cohorts (gnomAD); Has not been previously published as pathogenic or benign to our knowledge

Labcorp Genetics (formerly Invitae), Labcorp
Classification: Pathogenic for Developmental and epileptic encephalopathy 94. Last evaluated: 2023-09-10. Review status: criteria provided, single submitter. Criteria: Invitae Variant Classification Sherloc (09022015). Collection method: clinical testing. Allele origin: germline.
Comment: This sequence change creates a premature translational stop signal (p.Glu1034*) in the CHD2 gene. It is expected to result in an absent or disrupted protein product. Loss-of-function variants in CHD2 are known to be pathogenic (PMID: 23708187, 24207121). For these reasons, this variant has been classified as Pathogenic. ClinVar contains an entry for this variant (Variation ID: 1351835). This variant has not been reported in the literature in individuals affected with CHD2-related conditions. This variant is not present in population databases (gnomAD no frequency).

Literature cited by the submitters: PubMed 23708187 (cited by Labcorp Genetics (formerly Invitae), Labcorp); PubMed 24207121 (cited by Labcorp Genetics (formerly Invitae), Labcorp).